The following is an entry in ClinVar:

NM_001165963.4(SCN1A):c.2593C>A (p.Arg865=)

Gene: SCN1A (sodium voltage-gated channel alpha subunit 1; minus strand). Cytogenetic location: 2q24.3.
Variant type: single nucleotide variant.
Coding change: c.2593C>A on transcript NM_001165963.4 (MANE Select); coding-DNA position 2593, C replaced by A.
Protein change: p.Arg865=; no amino-acid change (arginine 865 retained).
Molecular consequence: synonymous variant. On other transcripts: non-coding transcript variant (1).
Genome position (GRCh38, 1-based): chr2:166,038,129, G>T on the plus strand (C>A on the coding strand, the complement: SCN1A is on the minus strand). VCF-style: chr2-166038129-G-T. GRCh37 (hg19) VCF-style: chr2-166894639-G-T.
Other names: c.2593C>A (NM_001202435.1); c.2509C>A, p.Arg837= (NM_001165964.3, NM_001353957.2, NM_001353958.2); c.2593C>A, p.Arg865= (NM_001202435.3, NM_001353948.2); c.2560C>A, p.Arg854= (NM_001353949.2, NM_001353950.2, NM_001353951.2 and 2 more transcripts); c.2557C>A, p.Arg853= (NM_001353954.2, NM_001353955.2); c.2506C>A, p.Arg836= (NM_001353960.2); c.151C>A, p.Arg51= (NM_001353961.2).
Identifiers: ClinVar variation 755819 (VCV000755819.12), dbSNP rs794726697, ClinGen allele CA429976503.

ClinVar aggregate classification (germline): Likely benign. Review status: criteria provided, single submitter (1 of 4 stars). 2 submissions from 2 submitters: Likely benign (1). 1 of the submissions does not count toward it. Last evaluated 2024-02-16.

Conditions:
SCN1A-related disorder. Also called: SCN1A-related conditions; SCN1A-related condition; SCN1A-related disorders.
Early-infantile DEE. Also called: Ohtahara syndrome; Early infantile epileptic encephalopathy; Early infantile epileptic encephalopathy with suppression bursts. Identifiers: Orphanet 1934, MedGen C0393706, MONDO:0800491.

Allele frequency attached by ClinVar (database versions not stated): gnomAD exomes below 0.00001; gnomAD 0.00001; TOPMed 0.00002.
gnomAD v4.1: 2 of 1,606,884 alleles (0.00012%); highest among the groups gnomAD compares: African/African-American, 0.0013%; no homozygotes.

Submissions (2):

Labcorp Genetics (formerly Invitae), Labcorp
Classification: Likely benign for Early-infantile DEE. Last evaluated: 2024-02-16. Review status: criteria provided, single submitter. Criteria: Invitae Variant Classification Sherloc (09022015). Collection method: clinical testing. Allele origin: germline.

PreventionGenetics, part of Exact Sciences
Classification: Likely benign for SCN1A-related condition. Last evaluated: 2024-06-19. Review status: no assertion criteria provided. Collection method: clinical testing. Allele origin: germline. Not counted in ClinVar's aggregate classification.
Comment: This variant is classified as likely benign based on ACMG/AMP sequence variant interpretation guidelines (Richards et al. 2015 PMID: 25741868, with internal and published modifications).